The following is an entry in ClinVar:

NM_000138.5(FBN1):c.4457C>A (p.Thr1486Lys)

Gene: FBN1 (fibrillin 1; minus strand). Cytogenetic location: 15q21.1.
Variant type: single nucleotide variant.
Coding change: c.4457C>A on transcript NM_000138.5 (MANE Select); coding-DNA position 4457, C replaced by A.
Protein change: p.Thr1486Lys; replaces threonine 1486 with lysine.
Molecular consequence: missense variant.
Genome position (GRCh38, 1-based): chr15:48,470,636, G>T on the plus strand (C>A on the coding strand, the complement: FBN1 is on the minus strand). VCF-style: chr15-48470636-G-T. GRCh37 (hg19) VCF-style: chr15-48762833-G-T.
Other names: c.4457C>A, p.Thr1486Lys (NM_001406716.1); short protein forms T1486K.
Identifiers: ClinVar variation 4538829 (VCV004538829.1).

ClinVar aggregate classification (germline): Uncertain significance (1 of 4 stars; one submission).

Submission:

GeneDx
Classification: Uncertain significance. Last evaluated: 2025-06-16. Review status: criteria provided, single submitter. Criteria: GeneDx Variant Classification Process June 2021. Collection method: clinical testing. Allele origin: germline. Affected: yes.
Comment: Not observed at significant frequency in large population cohorts (gnomAD); In silico analysis supports that this missense variant has a deleterious effect on protein structure/function; Has not been previously published as pathogenic or benign to our knowledge; Does not affect a cysteine or calcium-binding residue within an EGF-like domain or a TGF-binding protein domain of the FBN1 gene; cysteine substitutions in the EGF-like domains represent the majority of pathogenic missense changes associated with FBN1-related disorders (PMID: 12938084); This variant is associated with the following publications: (PMID: 12938084)